The following is an entry in ClinVar:

ClinVar aggregate classification (germline): Benign/Likely benign. Review status: criteria provided, multiple submitters, no conflicts (2 of 4 stars). 8 submissions from 8 submitters: Benign (1); Likely benign (3). 4 of the submissions do not count toward it. Last evaluated 2026-07-01.

Conditions:
Bardet-Biedl syndrome 2 (BBS2). Identifiers: Orphanet 110, MedGen C2936863, MONDO:0014432, OMIM 615981.
Bardet-Biedl syndrome (BBS). Identifiers: Orphanet 110, MedGen C0752166, MONDO:0015229.

Allele frequency attached by ClinVar (database versions not stated): gnomAD 0.00001 and 0.00027; TOPMed 0.00006; gnomAD exomes 0.00043 and 0.00088; ExAC 0.00091; 1000 Genomes Project 30x 0.00219; 1000 Genomes Project 0.00240.
gnomAD v4.1: 680 of 1,614,146 alleles (0.042%); highest among the groups gnomAD compares: South Asian, 0.7%; 12 homozygotes.

Submissions (8):

CeGaT Center for Human Genetics Tuebingen
Classification: Likely benign. Last evaluated: 2026-07-01. Review status: criteria provided, single submitter. Criteria: CeGaT Center For Human Genetics Tuebingen Variant Classification Criteria Version 2. Collection method: clinical testing. Allele origin: germline. Affected: yes. Observed: 2 variant alleles.
Comment: BBS2: BP4, BP7

Labcorp Genetics (formerly Invitae), Labcorp
Classification: Benign for Bardet-Biedl syndrome. Last evaluated: 2026-02-01. Review status: criteria provided, single submitter. Criteria: Invitae Variant Classification Sherloc (09022015). Collection method: clinical testing. Allele origin: germline.

Blueprint Genetics
Classification: Likely benign. Last evaluated: 2024-11-26. Review status: criteria provided, single submitter. Criteria: ACMG Guidelines, 2015. Collection method: clinical testing. Allele origin: germline.

Illumina Laboratory Services, Illumina
Classification: Likely benign for Bardet-Biedl syndrome 2. Last evaluated: 2018-01-13. Review status: criteria provided, single submitter. Criteria: ICSL Variant Classification Criteria 13 December 2019. Collection method: clinical testing. Allele origin: germline.
Comment: This variant was observed in the ICSL laboratory as part of a predisposition screen in an ostensibly healthy population. It had not been previously curated by ICSL or reported in the Human Gene Mutation Database (HGMD: prior to June 1st, 2018), and was therefore a candidate for classification through an automated scoring system. Utilizing variant allele frequency, disease prevalence and penetrance estimates, and inheritance mode, an automated score was calculated to assess if this variant is too frequent to cause the disease. Based on the score and internal cut-off values, a variant classified as likely benign is not then subjected to further curation. The score for this variant resulted in a classification of likely benign for this disease.

Natera, Inc.
Classification: Benign for Bardet-Biedl syndrome type 2. Last evaluated: 2019-10-28. Review status: no assertion criteria provided. Collection method: clinical testing. Allele origin: germline. Not counted in ClinVar's aggregate classification.

Clinical Genetics DNA and cytogenetics Diagnostics Lab, Erasmus MC, Erasmus Medical Center
Classification: Likely benign. Review status: no assertion criteria provided. Collection method: clinical testing. Allele origin: germline. Affected: yes. Study: VKGL Data-share Consensus. Not counted in ClinVar's aggregate classification.

Clinical Genetics, Academic Medical Center
Classification: Benign. Review status: no assertion criteria provided. Collection method: clinical testing. Allele origin: germline. Affected: yes. Study: VKGL Data-share Consensus. Not counted in ClinVar's aggregate classification.

Genome Diagnostics Laboratory, University Medical Center Utrecht
Classification: Benign. Review status: no assertion criteria provided. Collection method: clinical testing. Allele origin: germline. Affected: yes. Study: VKGL Data-share Consensus. Not counted in ClinVar's aggregate classification.

NM_031885.5(BBS2):c.1134A>G (p.Pro378=)

Gene: BBS2 (Bardet-Biedl syndrome 2; minus strand). Cytogenetic location: 16q13.
Variant type: single nucleotide variant.
Coding change: c.1134A>G on transcript NM_031885.5 (MANE Select); coding-DNA position 1134, A replaced by G.
Protein change: p.Pro378=; no amino-acid change (proline 378 retained).
Molecular consequence: synonymous variant. On other transcripts: non-coding transcript variant (5).
Genome position (GRCh38, 1-based): chr16:56,501,444, T>C on the plus strand (A>G on the coding strand, the complement: BBS2 is on the minus strand). VCF-style: chr16-56501444-T-C. GRCh37 (hg19) VCF-style: chr16-56535356-T-C.
Other names: c.1134A>G, p.Pro378= (NM_001377456.1).
Identifiers: ClinVar variation 319858 (VCV000319858.45), dbSNP rs185178790, ClinGen allele CA8065825.